The following is an entry in ClinVar:

NM_001184.4(ATR):c.5915C>T (p.Ala1972Val)

Gene: ATR (ATR checkpoint kinase; minus strand). Cytogenetic location: 3q23.
Variant type: single nucleotide variant.
Coding change: c.5915C>T on transcript NM_001184.4 (MANE Select); coding-DNA position 5915, C replaced by T.
Protein change: p.Ala1972Val; replaces alanine 1972 with valine.
Molecular consequence: missense variant.
Genome position (GRCh38, 1-based): chr3:142,493,295, G>A on the plus strand (C>T on the coding strand, the complement: ATR is on the minus strand). VCF-style: chr3-142493295-G-A. GRCh37 (hg19) VCF-style: chr3-142212137-G-A.
Other names: c.5723C>T, p.Ala1908Val (NM_001354579.2); c.5915C>T (NM_001184.3); short protein forms A1908V, A1972V.
Identifiers: ClinVar variation 1445407 (VCV001445407.6), dbSNP rs2108326180, ClinGen allele CA354811869.

ClinVar aggregate classification (germline): Uncertain significance. Review status: criteria provided, multiple submitters, no conflicts (2 of 4 stars). 2 submissions from 2 submitters: Uncertain significance (2). Last evaluated 2023-04-24.

Conditions:
Inborn genetic diseases. Identifiers: MedGen C0950123, MeSH D030342.

Allele frequency attached by ClinVar (database versions not stated): gnomAD exomes below 0.00001.
gnomAD v4.1: 1 of 1,613,328 alleles (0.000062%); highest among the groups gnomAD compares: Non-Finnish European, 0.000085%; no homozygotes.

Submissions (2):

Ambry Genetics
Classification: Uncertain significance for Inborn genetic diseases. Last evaluated: 2023-04-24. Review status: criteria provided, single submitter. Criteria: Ambry Variant Classification Scheme 2023. Collection method: clinical testing. Allele origin: germline.
Comment: The p.A1972V variant (also known as c.5915C>T), located in coding exon 35 of the ATR gene, results from a C to T substitution at nucleotide position 5915. The alanine at codon 1972 is replaced by valine, an amino acid with similar properties. This amino acid position is conserved. In addition, this alteration is predicted to be deleterious by in silico analysis. Since supporting evidence is limited at this time, the clinical significance of this alteration remains unclear.

Labcorp Genetics (formerly Invitae), Labcorp
Classification: Uncertain significance. Last evaluated: 2022-10-05. Review status: criteria provided, single submitter. Criteria: Invitae Variant Classification Sherloc (09022015). Collection method: clinical testing. Allele origin: germline.
Comment: This sequence change replaces alanine, which is neutral and non-polar, with valine, which is neutral and non-polar, at codon 1972 of the ATR protein (p.Ala1972Val). This variant is not present in population databases (gnomAD no frequency). This variant has not been reported in the literature in individuals affected with ATR-related conditions. ClinVar contains an entry for this variant (Variation ID: 1445407). Algorithms developed to predict the effect of missense changes on protein structure and function are either unavailable or do not agree on the potential impact of this missense change (SIFT: "Deleterious"; PolyPhen-2: "Probably Damaging"; Align-GVGD: "Class C15"). Algorithms developed to predict the effect of sequence changes on RNA splicing suggest that this variant may create or strengthen a splice site. In summary, the available evidence is currently insufficient to determine the role of this variant in disease. Therefore, it has been classified as a Variant of Uncertain Significance.